The following is an entry in ClinVar:

NM_000260.4(MYO7A):c.2904G>T (p.Glu968Asp)

Gene: MYO7A (myosin VIIA; plus strand). Cytogenetic location: 11q13.5.
Variant type: single nucleotide variant.
Coding change: c.2904G>T on transcript NM_000260.4 (MANE Select); coding-DNA position 2904, G replaced by T.
Protein change: p.Glu968Asp; replaces glutamic acid 968 with aspartic acid.
Molecular consequence: missense variant.
Genome position (GRCh38, 1-based): chr11:77,181,589, G>T. VCF-style: chr11-77181589-G-T. GRCh37 (hg19) VCF-style: chr11-76892635-G-T.
Other names: NM_000260.4(MYO7A):c.2904G>T; c.2904G>T, p.Glu968Asp (NM_001127180.2); c.2871G>T, p.Glu957Asp (NM_001369365.1); short protein forms E968D, E957D.
Identifiers: ClinVar variation 43196 (VCV000043196.29), dbSNP rs111033233, ClinGen allele CA278647.

ClinVar aggregate classification (germline): Likely pathogenic. Review status: reviewed by expert panel (3 of 4 stars). 11 submissions from 11 submitters: Likely pathogenic (1). 10 of the submissions do not count toward it. Last evaluated 2022-08-03.

Conditions:
MYO7A-related disorder. Also called: MYO7A-related disorders.
Rare genetic deafness. Identifiers: Orphanet 96210, MedGen C5680250.
Retinal dystrophy. Also called: Inherited retinal dystrophy. Identifiers: Orphanet 71862, MedGen C0854723, MeSH D058499, MONDO:0019118, HP:0000556.
Autosomal recessive nonsyndromic hearing loss 2. Also called: DEAFNESS, AUTOSOMAL RECESSIVE 2; NEUROSENSORY NONSYNDROMIC RECESSIVE DEAFNESS 2. Identifiers: Orphanet 90636, MedGen C1838701, MONDO:0010807, OMIM 600060.
Usher syndrome type 1 (USH1). Also called: RETINITIS PIGMENTOSA AND CONGENITAL DEAFNESS. Identifiers: Orphanet 231169, Orphanet 886, MedGen C1568247, MONDO:0010168, OMIM 276900.
Autosomal dominant nonsyndromic hearing loss 11. Identifiers: Orphanet 90635, MedGen C1832475, MONDO:0011032, OMIM 601317.
Usher syndrome type 1B (USH1B). Also called: Usher syndrome type IB. Identifiers: MedGen C1848638, MONDO:0700087.

Allele frequency attached by ClinVar (database versions not stated): gnomAD 0.00002; TOPMed 0.00002; gnomAD exomes 0.00005.
gnomAD v4.1: 78 of 1,612,662 alleles (0.0048%); highest among the groups gnomAD compares: Non-Finnish European, 0.0064%; no homozygotes.

Submissions 1 to 9 of 11:

ClinGen Hearing Loss Variant Curation Expert Panel
Classification: Likely pathogenic for Usher syndrome type 1B. Last evaluated: 2022-08-03. Review status: reviewed by expert panel. Criteria: Clingen Hl Acmg Specifications Cdh23 Coch Gjb2 Kcnq4 Myo6 Myo7a Slc26a4 Tecta Ush2a V2. Collection method: curation. Allele origin: germline. Inheritance: Autosomal recessive inheritance.
Comment: The c.2904G>T variant in MYO7A is a missense variant predicted to cause substitution of glutamic acid by aspartic acid at amino acid 968. The highest population minor allele frequency in gnomAD v2.1.1 is 0.0000064 (3/126898 alleles) in the European (non-Finnish) population, which is lower than the ClinGen Hearing Loss VCEP threshold (<0.00007) for PM2_Supporting, meeting this criterion (PM2_Supporting). The computational predictor REVEL gives a score of 0.563, which is neither above nor below the thresholds predicting a damaging or benign impact on MYO7A function. At least one patient with this variant displayed Usher syndrome (PP4, PMID: 33089500). This variant has been detected in at least five individuals with Usher syndrome. Of those individuals, two were compound heterozygous for the variant and a pathogenic or likely pathogenic variant and presumed to be in trans (c.631A>G (p.S211G) and c.3719G>A (p.D1240Q)) and three of those were confirmed in trans by family testing and all of whom had different variants on the other allele (c.224dup (p.D75fs), c.487G>C (p.G163R), c.1189G>A (p.A397T); 2.5 PM3 points, PMID: 25472526, 26969326, 33089500; ClinVar Variation ID: 43325, 43218, 553215) (PM3_Strong). The variant has been reported to segregate with Usher syndrome in three affected family members from one family (PP1; PMID:33089500). Another missense variant, c.2904G>C (p.E968D), in the same codon has been reported in a patient with Usher syndrome (PMID:27460420). However, this variant has not yet met the criteria to be classified as pathogenic or likely pathogenic by the ClinGen Hearing Loss VCEP (PM5 not met). In summary, this variant meets the criteria to be classified as likely pathogenic for autosomal recessive Usher syndrome based on the ACMG/AMP criteria applied, as specified by the ClinGen Hearing Loss VCEP: PM2_P, PP1, PP4, PM3_S (ClinGen Hearing Loss VCEP specifications version 2; 7/26/2022).

Genetics Research Center, University of Social Welfare and Rehabilitation Sciences
Classification: Likely pathogenic for Autosomal recessive nonsyndromic hearing loss 2. Last evaluated: 2025-12-09. Review status: criteria provided, single submitter. Criteria: ACMG Guidelines, 2015. Collection method: research. Allele origin: germline. Affected: yes. Not counted in ClinVar's aggregate classification.
Comment: This variant is present at a very low frequency in the gnomAD v2.1.1 dataset (allele frequency: 0.001%) and has been reported in individual(s) affected with Usher syndrome (PMID: 15660226‚ 10930322‚ 19074810‚ 25468891‚ 22135276‚ 26969326‚ 27460420‚ 25472526). It is a homozygous missense variant located at the last nucleotide of exon 23, disrupting the canonical splice donor site and predicted to cause exon skipping, resulting in a shortened SAH domain. It has been reported to segregate with Usher syndrome in three affected members of a single family (PMID: 33089500). Another missense variant in the same codon, c.2904G>C (p.E968D), has also been reported in a patient with Usher syndrome (PMID: 27460420).

Natera, Inc.
Classification: Pathogenic for Usher syndrome type 1B. Last evaluated: 2025-09-24. Review status: criteria provided, single submitter. Criteria: Natera Variant Classification Schema (03/2026). Collection method: clinical testing. Allele origin: germline. Not counted in ClinVar's aggregate classification.
Comment: The c.2904G>T variant in MYO7A is a missense variant predicted to cause substitution of glutamic acid to aspartic acid at amino acid 968. This variant is rare in the general population with a frequency below the threshold expected for the associated phenotype(s). This variant has been observed in one or more individuals affected with the associated recessive disease, as either homozygous or compound heterozygous with a second variant (PMID: 33089500, 28944237, 26969326, 25472526, 24199935, 15660226). Additionally, this variant has been observed to segregate in affected family members (PMID: 33089500). Given the available evidence, this variant is classified as Pathogenic.

PreventionGenetics, part of Exact Sciences
Classification: Likely pathogenic for MYO7A-related condition. Last evaluated: 2025-03-19. Review status: criteria provided, single submitter. Criteria: ACMG Guidelines, 2015. Collection method: clinical testing. Allele origin: germline. Not counted in ClinVar's aggregate classification.
Comment: The MYO7A c.2904G>T variant is predicted to result in the amino acid substitution p.Glu968Asp. This variant has been reported in the homozygous state or with a second MYO7A variant in multiple individuals with autosomal recessive Usher syndrome (Bharadwaj et al. 2000. PubMed ID: 10930322; Ouyang et al. 2005. PubMed ID: 15660226; Table S1, Lin et al. 2024. PubMed ID: 38219857) and has been noted to segregate with the disorder in one family (Wafa et al. 2020. PubMed ID: 33089500). An alternate nucleotide substitution resulting in the same missense variant (2904G>C, p.Glu968Asp) has been reported in combination with another pathogenic MYO7A variant in an individual affected with autosomal recessive Usher syndrome (Table S1 & S4, Bonnet et al. 2016. PubMed ID:27460420). The c.2904G>T variant is reported in 0.0024% of alleles in individuals of European (non-Finnish) descent in gnomAD. This variant is interpreted as likely pathogenic by the ClinGen Hearing Loss Variant Curation Expert Panel in ClinVar. This variant is interpreted as likely pathogenic.

Fulgent Genetics
Classification: Pathogenic for Usher syndrome type 1; Autosomal recessive nonsyndromic hearing loss 2; Autosomal dominant nonsyndromic hearing loss 11. Last evaluated: 2024-04-11. Review status: criteria provided, single submitter. Criteria: ACMG Guidelines, 2015. Collection method: clinical testing. Allele origin: germline. Not counted in ClinVar's aggregate classification.

Labcorp Genetics (formerly Invitae), Labcorp
Classification: Pathogenic. Last evaluated: 2023-09-03. Review status: criteria provided, single submitter. Criteria: Invitae Variant Classification Sherloc (09022015). Collection method: clinical testing. Allele origin: germline. Not counted in ClinVar's aggregate classification.
Comment: For these reasons, this variant has been classified as Pathogenic. Variants that disrupt the consensus splice site are a relatively common cause of aberrant splicing (PMID: 17576681, 9536098). Algorithms developed to predict the effect of sequence changes on RNA splicing suggest that this variant may disrupt the consensus splice site. An algorithm developed to predict the effect of missense changes on protein structure and function (PolyPhen-2) suggests that this variant is likely to be disruptive. ClinVar contains an entry for this variant (Variation ID: 43196). This missense change has been observed in individuals with autosomal recessive Usher syndrome (PMID: 10930322, 15660226, 24199935, 25472526, 26969326). This variant is present in population databases (rs111033233, gnomAD 0.003%). This sequence change replaces glutamic acid, which is acidic and polar, with aspartic acid, which is acidic and polar, at codon 968 of the MYO7A protein (p.Glu968Asp). This variant also falls at the last nucleotide of exon 23, which is part of the consensus splice site for this exon.

Blueprint Genetics
Classification: Pathogenic for MYO7A-related disorders. Last evaluated: 2022-06-21. Review status: criteria provided, single submitter. Criteria: ACMG Guidelines, 2015. Collection method: clinical testing. Allele origin: germline. Affected: yes. Observed: 5 variant alleles. Not counted in ClinVar's aggregate classification.

Institute of Human Genetics, Univ. Regensburg, Univ. Regensburg
Classification: Likely pathogenic for Retinal dystrophy. Last evaluated: 2022-01-01. Review status: criteria provided, single submitter. Criteria: ACMG Guidelines, 2015. Collection method: clinical testing. Allele origin: germline. Affected: yes. Not counted in ClinVar's aggregate classification.

Genome-Nilou Lab
Classification: Pathogenic for Autosomal recessive nonsyndromic hearing loss 2. Last evaluated: 2021-07-22. Review status: criteria provided, single submitter. Criteria: ACMG Guidelines, 2015. Collection method: clinical testing. Allele origin: germline. Affected: no. Not counted in ClinVar's aggregate classification.